The following is an entry in ClinVar:

ClinVar aggregate classification (germline): Uncertain significance. Review status: criteria provided, multiple submitters, no conflicts (2 of 4 stars). 2 submissions from 2 submitters: Uncertain significance (2). Last evaluated 2025-05-28.

Conditions:
Combined oxidative phosphorylation defect type 27. Also called: Combined oxidative phosphorylation deficiency 27. Identifiers: Orphanet 477774, MedGen C5567608, MONDO:0014728, OMIM 616672.

Allele frequency attached by ClinVar (database versions not stated): ESP Exome Variant Server 0.00008.
gnomAD v4.1: 34 of 1,609,902 alleles (0.0021%); highest among the groups gnomAD compares: East Asian, 0.042%; no homozygotes.

Submissions (2):

GeneDx
Classification: Uncertain significance. Last evaluated: 2025-05-28. Review status: criteria provided, single submitter. Criteria: GeneDx Variant Classification Process June 2021. Collection method: clinical testing. Allele origin: germline. Affected: yes.
Comment: Has not been previously published as pathogenic or benign to our knowledge; In silico analysis suggests that this missense variant does not alter protein structure/function

Labcorp Genetics (formerly Invitae), Labcorp
Classification: Uncertain significance for Combined oxidative phosphorylation defect type 27. Last evaluated: 2022-06-02. Review status: criteria provided, single submitter. Criteria: Invitae Variant Classification Sherloc (09022015). Collection method: clinical testing. Allele origin: germline.
Comment: In summary, the available evidence is currently insufficient to determine the role of this variant in disease. Therefore, it has been classified as a Variant of Uncertain Significance. Algorithms developed to predict the effect of missense changes on protein structure and function output the following: SIFT: "Tolerated"; PolyPhen-2: "Benign"; Align-GVGD: "Class C0". The threonine amino acid residue is found in multiple mammalian species, which suggests that this missense change does not adversely affect protein function. This variant has not been reported in the literature in individuals affected with CARS2-related conditions. This variant is present in population databases (rs371620375, gnomAD 0.03%). This sequence change replaces alanine, which is neutral and non-polar, with threonine, which is neutral and polar, at codon 137 of the CARS2 protein (p.Ala137Thr).

NM_024537.4(CARS2):c.409G>A (p.Ala137Thr)

Gene: CARS2 (cysteinyl-tRNA synthetase 2, mitochondrial; minus strand). Cytogenetic location: 13q34.
Variant type: single nucleotide variant.
Coding change: c.409G>A on transcript NM_024537.4 (MANE Select); coding-DNA position 409, G replaced by A.
Protein change: p.Ala137Thr; replaces alanine 137 with threonine.
Molecular consequence: missense variant. On other transcripts: 5 prime UTR variant (1), non-coding transcript variant (2).
Genome position (GRCh38, 1-based): chr13:110,688,003, C>T on the plus strand (G>A on the coding strand, the complement: CARS2 is on the minus strand). VCF-style: chr13-110688003-C-T. GRCh37 (hg19) VCF-style: chr13-111340350-C-T.
Other names: c.-591G>A (NM_001352252.2); c.409G>A, p.Ala137Thr (NM_001352253.3); c.409G>A (NM_024537.2); short protein forms A137T.
Identifiers: ClinVar variation 2181492 (VCV002181492.3), dbSNP rs371620375, ClinGen allele CA7052261.